The following is an entry in ClinVar:

NM_000153.4(GALC):c.196-14A>G

Gene: GALC (galactosylceramidase; minus strand). Cytogenetic location: 14q31.3.
Variant type: single nucleotide variant.
Coding change: c.196-14A>G on transcript NM_000153.4 (MANE Select); 14 bases into the intron before coding-DNA position 196, A replaced by G.
Molecular consequence: intron variant.
Genome position (GRCh38, 1-based): chr14:87,988,537, T>C on the plus strand (A>G on the coding strand, the complement: GALC is on the minus strand). VCF-style: chr14-87988537-T-C. GRCh37 (hg19) VCF-style: chr14-88454881-T-C.
Other names: c.118-14A>G (NM_001201402.2); c.196-330A>G (NM_001201401.2).
Identifiers: ClinVar variation 2018692 (VCV002018692.1), dbSNP rs1887066451, ClinGen allele CA2153387469.
Genomic context (GRCh38, chr14:87,988,537, plus strand): 5'-TGAGAACGATAGGGCTCTGGGTAATTTACTAGAAGTCGGGAGGTTGCCTAAAAAAAAAAG[T>C]TTTCAAAAGTATGAATAAAAGAAATCCAGTCATGAATATCTGTCTACAGTGTTCACGCAC-3'

ClinVar aggregate classification (germline): Uncertain significance (1 of 4 stars; one submission).

Conditions:
Galactosylceramide beta-galactosidase deficiency. Also called: Krabbe Disease; GALACTOCEREBROSIDASE DEFICIENCY; GALC DEFICIENCY; GLOBOID CELL LEUKOENCEPHALOPATHY; Leukodystrophy, Globoid Cell. Identifiers: Orphanet 487, MedGen C0023521, MONDO:0009499, OMIM 245200.

Allele frequency attached by ClinVar (database versions not stated): gnomAD exomes below 0.00001; TOPMed 0.00001.
gnomAD v4.1: 5 of 1,573,506 alleles (0.00032%); highest among the groups gnomAD compares: Non-Finnish European, 0.00044%; no homozygotes.

Submission:

Labcorp Genetics (formerly Invitae), Labcorp
Classification: Uncertain significance for Galactosylceramide beta-galactosidase deficiency. Last evaluated: 2022-08-06. Review status: criteria provided, single submitter. Criteria: Invitae Variant Classification Sherloc (09022015). Collection method: clinical testing. Allele origin: germline.
Comment: This sequence change falls in intron 1 of the GALC gene. It does not directly change the encoded amino acid sequence of the GALC protein. This variant is not present in population databases (gnomAD no frequency). This variant has not been reported in the literature in individuals affected with GALC-related conditions. Algorithms developed to predict the effect of sequence changes on RNA splicing suggest that this variant may disrupt the consensus splice site. In summary, the available evidence is currently insufficient to determine the role of this variant in disease. Therefore, it has been classified as a Variant of Uncertain Significance.